The following is an entry in ClinVar:

NM_000553.6(WRN):c.1577-2A>G

Gene: WRN (WRN RecQ like helicase; plus strand). Cytogenetic location: 8p12.
Variant type: single nucleotide variant.
Coding change: c.1577-2A>G on transcript NM_000553.6 (MANE Select); the canonical splice acceptor site of the intron before coding-DNA position 1577, A replaced by G.
Molecular consequence: splice acceptor variant.
Genome position (GRCh38, 1-based): chr8:31,088,888, A>G. VCF-style: chr8-31088888-A-G. GRCh37 (hg19) VCF-style: chr8-30946404-A-G.
Identifiers: ClinVar variation 2898798 (VCV002898798.3), dbSNP rs2535926992, ClinGen allele CA370925950.

ClinVar aggregate classification (germline): Likely pathogenic (1 of 4 stars; one submission).

Conditions:
Werner syndrome (WRN). Identifiers: Orphanet 902, MedGen C0043119, MONDO:0010196, OMIM 277700.

Submission:

Labcorp Genetics (formerly Invitae), Labcorp
Classification: Likely pathogenic for Werner syndrome. Last evaluated: 2023-11-08. Review status: criteria provided, single submitter. Criteria: Invitae Variant Classification Sherloc (09022015). Collection method: clinical testing. Allele origin: germline.
Comment: This sequence change affects an acceptor splice site in intron 12 of the WRN gene. It is expected to disrupt RNA splicing. Variants that disrupt the donor or acceptor splice site typically lead to a loss of protein function (PMID: 16199547), and loss-of-function variants in WRN are known to be pathogenic (PMID: 16673358). This variant is not present in population databases (gnomAD no frequency). This variant has not been reported in the literature in individuals affected with WRN-related conditions. Algorithms developed to predict the effect of sequence changes on RNA splicing suggest that this variant may disrupt the consensus splice site. In summary, the currently available evidence indicates that the variant is pathogenic, but additional data are needed to prove that conclusively. Therefore, this variant has been classified as Likely Pathogenic.

Literature cited by the submitters: PubMed 16199547; PubMed 16673358.